The following is an entry in ClinVar:

NM_001868.4(CPA1):c.577G>T (p.Ala193Ser)

Gene: CPA1 (carboxypeptidase A1; plus strand). Cytogenetic location: 7q32.2.
Variant type: single nucleotide variant.
Coding change: c.577G>T on transcript NM_001868.4 (MANE Select); coding-DNA position 577, G replaced by T.
Protein change: p.Ala193Ser; replaces alanine 193 with serine.
Molecular consequence: missense variant.
Genome position (GRCh38, 1-based): chr7:130,383,484, G>T. VCF-style: chr7-130383484-G-T. GRCh37 (hg19) VCF-style: chr7-130023325-G-T.
Other names: short protein forms A193S.
Identifiers: ClinVar variation 1749604 (VCV001749604.6), dbSNP rs371243612, ClinGen allele CA4484838.

ClinVar aggregate classification (germline): Uncertain significance. Review status: criteria provided, multiple submitters, no conflicts (2 of 4 stars). 2 submissions from 2 submitters: Uncertain significance (2). Last evaluated 2024-05-08.

Conditions:
Hereditary pancreatitis (PCTT). Also called: Hereditary chronic pancreatitis; PRSS1-Related Hereditary Pancreatitis. Identifiers: Orphanet 676, MedGen C0238339, MONDO:0008185, OMIM 167800.

Allele frequency attached by ClinVar (database versions not stated): gnomAD 0.00001; TOPMed 0.00001.
gnomAD v4.1: 13 of 1,613,814 alleles (0.00081%); highest among the groups gnomAD compares: Admixed American, 0.022%; no homozygotes.

Submissions (2):

Ambry Genetics
Classification: Uncertain significance for Hereditary pancreatitis. Last evaluated: 2024-05-08. Review status: criteria provided, single submitter. Criteria: Ambry Variant Classification Scheme 2023. Collection method: clinical testing. Allele origin: germline.
Comment: The p.A193S variant (also known as c.577G>T), located in coding exon 5 of the CPA1 gene, results from a G to T substitution at nucleotide position 577. The alanine at codon 193 is replaced by serine, an amino acid with similar properties. This amino acid position is conserved. In addition, this alteration is predicted to be tolerated by in silico analysis. Since supporting evidence is limited at this time, the clinical significance of this alteration remains unclear.

Labcorp Genetics (formerly Invitae), Labcorp
Classification: Uncertain significance. Last evaluated: 2023-03-19. Review status: criteria provided, single submitter. Criteria: Invitae Variant Classification Sherloc (09022015). Collection method: clinical testing. Allele origin: germline.
Comment: In summary, the available evidence is currently insufficient to determine the role of this variant in disease. Therefore, it has been classified as a Variant of Uncertain Significance. This sequence change replaces alanine, which is neutral and non-polar, with serine, which is neutral and polar, at codon 193 of the CPA1 protein (p.Ala193Ser). This variant is present in population databases (rs371243612, gnomAD 0.04%). This variant has not been reported in the literature in individuals affected with CPA1-related conditions. ClinVar contains an entry for this variant (Variation ID: 1749604). Advanced modeling of protein sequence and biophysical properties (such as structural, functional, and spatial information, amino acid conservation, physicochemical variation, residue mobility, and thermodynamic stability) has been performed at Invitae for this missense variant, however the output from this modeling did not meet the statistical confidence thresholds required to predict the impact of this variant on CPA1 protein function.